The following is an entry in ClinVar:

NM_001367624.2(ZNF469):c.8803C>T (p.Pro2935Ser)

Gene: ZNF469 (zinc finger protein 469; plus strand). Cytogenetic location: 16q24.2.
Variant type: single nucleotide variant.
Coding change: c.8803C>T on transcript NM_001367624.2 (MANE Select); coding-DNA position 8803, C replaced by T.
Protein change: p.Pro2935Ser; replaces proline 2935 with serine.
Molecular consequence: missense variant.
Genome position (GRCh38, 1-based): chr16:88,436,273, C>T. VCF-style: chr16-88436273-C-T. GRCh37 (hg19) VCF-style: chr16-88502681-C-T.
Other names: NM_001127464.1:c.8719C>T; short protein forms P2935S.
Identifiers: ClinVar variation 1764428 (VCV001764428.2), dbSNP rs1350185311, ClinGen allele CA397119465.

ClinVar aggregate classification (germline): Uncertain significance (1 of 4 stars; one submission).

Conditions:
Cardiovascular phenotype. Identifiers: MedGen CN230736.

Allele frequency attached by ClinVar (database versions not stated): gnomAD 0.00001.
gnomAD v4.1: 2 of 1,549,846 alleles (0.00013%); highest among the groups gnomAD compares: African/African-American, 0.0014%; no homozygotes.

Submission:

Ambry Genetics
Classification: Uncertain significance for Cardiovascular phenotype. Last evaluated: 2021-09-07. Review status: criteria provided, single submitter. Criteria: Ambry Variant Classification Scheme 2023. Collection method: clinical testing. Allele origin: germline.
Comment: The p.P2907S variant (also known as c.8719C>T), located in coding exon 2 of the ZNF469 gene, results from a C to T substitution at nucleotide position 8719. The proline at codon 2907 is replaced by serine, an amino acid with similar properties. This amino acid position is conserved. In addition, this alteration is predicted to be tolerated by in silico analysis. Since supporting evidence is limited at this time, the clinical significance of this alteration remains unclear.